The following is an entry in ClinVar:

NM_002691.4(POLD1):c.727C>T (p.Pro243Ser)

Gene: POLD1 (DNA polymerase delta 1, catalytic subunit; plus strand). Cytogenetic location: 19q13.33.
Variant type: single nucleotide variant.
Coding change: c.727C>T on transcript NM_002691.4 (MANE Select); coding-DNA position 727, C replaced by T.
Protein change: p.Pro243Ser; replaces proline 243 with serine.
Molecular consequence: missense variant. On other transcripts: non-coding transcript variant (1).
Genome position (GRCh38, 1-based): chr19:50,402,342, C>T. VCF-style: chr19-50402342-C-T. GRCh37 (hg19) VCF-style: chr19-50905599-C-T.
Other names: c.727C>T (NM_002691.3); c.727C>T, p.Pro243Ser (NM_001256849.1, NM_001308632.1); short protein forms P243S.
Identifiers: ClinVar variation 1758055 (VCV001758055.3), dbSNP rs2122246414, ClinGen allele CA406974535.

ClinVar aggregate classification (germline): Uncertain significance. Review status: criteria provided, multiple submitters, no conflicts (2 of 4 stars). 2 submissions from 2 submitters: Uncertain significance (2). Last evaluated 2024-10-22.

Conditions:
Hereditary cancer-predisposing syndrome. Also called: Neoplastic Syndromes, Hereditary; Hereditary neoplastic syndrome; Hereditary Cancer Syndrome; Tumor predisposition. Identifiers: Orphanet 140162, MedGen C0027672, MeSH D009386, MONDO:0015356.
POLD1-related disorder. Also called: POLD1-related disorders; POLD1-related condition.

Submissions (2):

PreventionGenetics, part of Exact Sciences
Classification: Uncertain significance for POLD1-related condition. Last evaluated: 2024-10-22. Review status: criteria provided, single submitter. Criteria: ACMG Guidelines, 2015. Collection method: clinical testing. Allele origin: germline.
Comment: The POLD1 c.727C>T variant is predicted to result in the amino acid substitution p.Pro243Ser. To our knowledge, this variant has not been reported in the literature or in a large population database (gnomAD), indicating this variant is rare. This variant is interpreted as a variant of uncertain significance by one lab in ClinVar. At this time, the clinical significance of this variant is uncertain due to the absence of conclusive functional and genetic evidence.

Ambry Genetics
Classification: Uncertain significance for Hereditary cancer-predisposing syndrome. Last evaluated: 2022-04-02. Review status: criteria provided, single submitter. Criteria: Ambry Variant Classification Scheme 2023. Collection method: clinical testing. Allele origin: germline.
Comment: The p.P243S variant (also known as c.727C>T), located in coding exon 5 of the POLD1 gene, results from a C to T substitution at nucleotide position 727. The proline at codon 243 is replaced by serine, an amino acid with similar properties. This amino acid position is conserved. In addition, this alteration is predicted to be tolerated by in silico analysis. Since supporting evidence is limited at this time, the clinical significance of this alteration remains unclear.